The following is an entry in ClinVar:

ClinVar aggregate classification (germline): Uncertain significance. Review status: criteria provided, multiple submitters, no conflicts (2 of 4 stars). 2 submissions from 2 submitters: Uncertain significance (2). Last evaluated 2024-10-22.

Conditions:
Aicardi-Goutieres syndrome 7 (AGS7). Identifiers: Orphanet 51, MedGen C3888244, MONDO:0014367, OMIM 615846.
Singleton-Merten syndrome 1 (SGMRT1). Also called: Widened medullary cavities of bone, aortic calcification, abnormal dentition, and muscular weakness; Syndrome of widened medullary cavities of the metacarpals and phalanges, aortic calcification and abnormal dentition. Identifiers: Orphanet 85191, MedGen C4225427, MONDO:0024535, OMIM 182250.

gnomAD v4.1: 2 of 1,613,898 alleles (0.00012%); highest among the groups gnomAD compares: South Asian, 0.0011%; no homozygotes.

Submissions (2):

GeneDx
Classification: Uncertain significance. Last evaluated: 2024-10-22. Review status: criteria provided, single submitter. Criteria: GeneDx Variant Classification Process June 2021. Collection method: clinical testing. Allele origin: germline. Affected: yes.
Comment: Not observed at significant frequency in large population cohorts (gnomAD); In silico analysis indicates that this missense variant does not alter protein structure/function; Has not been previously published as pathogenic or benign to our knowledge

Labcorp Genetics (formerly Invitae), Labcorp
Classification: Uncertain significance for Aicardi-Goutieres syndrome 7; Singleton-Merten syndrome 1. Last evaluated: 2024-03-02. Review status: criteria provided, single submitter. Criteria: Invitae Variant Classification Sherloc (09022015). Collection method: clinical testing. Allele origin: germline.
Comment: This sequence change replaces methionine, which is neutral and non-polar, with valine, which is neutral and non-polar, at codon 972 of the IFIH1 protein (p.Met972Val). This variant is not present in population databases (gnomAD no frequency). This variant has not been reported in the literature in individuals affected with IFIH1-related conditions. Advanced modeling of protein sequence and biophysical properties (such as structural, functional, and spatial information, amino acid conservation, physicochemical variation, residue mobility, and thermodynamic stability) has been performed at Invitae for this missense variant, however the output from this modeling did not meet the statistical confidence thresholds required to predict the impact of this variant on IFIH1 protein function. In summary, the available evidence is currently insufficient to determine the role of this variant in disease. Therefore, it has been classified as a Variant of Uncertain Significance.

NM_022168.4(IFIH1):c.2914A>G (p.Met972Val)

Gene: IFIH1 (interferon induced with helicase C domain 1; minus strand). Cytogenetic location: 2q24.2.
Variant type: single nucleotide variant.
Coding change: c.2914A>G on transcript NM_022168.4 (MANE Select); coding-DNA position 2914, A replaced by G.
Protein change: p.Met972Val; replaces methionine 972 with valine.
Molecular consequence: missense variant.
Genome position (GRCh38, 1-based): chr2:162,267,364, T>C on the plus strand (A>G on the coding strand, the complement: IFIH1 is on the minus strand). VCF-style: chr2-162267364-T-C. GRCh37 (hg19) VCF-style: chr2-163123874-T-C.
Other names: c.2914A>G (NM_022168.3); short protein forms M972V.
Identifiers: ClinVar variation 3749758 (VCV003749758.3).